The following is an entry in ClinVar:

NM_004304.5(ALK):c.25C>A (p.Leu9Ile)

Gene: ALK (ALK receptor tyrosine kinase; minus strand). Cytogenetic location: 2p23.1.
Variant type: single nucleotide variant.
Coding change: c.25C>A on transcript NM_004304.5 (MANE Select); coding-DNA position 25, C replaced by A.
Protein change: p.Leu9Ile; replaces leucine 9 with isoleucine.
Molecular consequence: missense variant.
Genome position (GRCh38, 1-based): chr2:29,920,635, G>T on the plus strand (C>A on the coding strand, the complement: ALK is on the minus strand). VCF-style: chr2-29920635-G-T. GRCh37 (hg19) VCF-style: chr2-30143501-G-T.
Other names: short protein forms L9I.
Identifiers: ClinVar variation 1520783 (VCV001520783.6), dbSNP rs1335279051, ClinGen allele CA346590823.

ClinVar aggregate classification (germline): Uncertain significance (1 of 4 stars; one submission).

Conditions:
Neuroblastoma, susceptibility to, 3. Also called: ALK-Related Neuroblastic Tumor Susceptibility. Identifiers: Orphanet 635, MedGen C2751681, MONDO:0013083, OMIM 613014.

Submission:

Labcorp Genetics (formerly Invitae), Labcorp
Classification: Uncertain significance for Neuroblastoma, susceptibility to, 3. Last evaluated: 2021-09-23. Review status: criteria provided, single submitter. Criteria: Invitae Variant Classification Sherloc (09022015). Collection method: clinical testing. Allele origin: germline.
Comment: This sequence change replaces leucine with isoleucine at codon 9 of the ALK protein (p.Leu9Ile). The leucine residue is moderately conserved and there is a small physicochemical difference between leucine and isoleucine. The frequency data for this variant in the population databases is considered unreliable, as metrics indicate insufficient coverage at this position in the ExAC database. This variant has not been reported in the literature in individuals affected with ALK-related conditions. Algorithms developed to predict the effect of missense changes on protein structure and function are either unavailable or do not agree on the potential impact of this missense change (SIFT: "Deleterious"; PolyPhen-2: "Benign"; Align-GVGD: "Class C0"). In summary, the available evidence is currently insufficient to determine the role of this variant in disease. Therefore, it has been classified as a Variant of Uncertain Significance.